The following is an entry in ClinVar:

ClinVar aggregate classification (germline): Uncertain significance. Review status: criteria provided, multiple submitters, no conflicts (2 of 4 stars). 2 submissions from 2 submitters: Uncertain significance (2). Last evaluated 2024-08-14.

Allele frequency attached by ClinVar (database versions not stated): gnomAD 0.00001; TOPMed 0.00001.
gnomAD v4.1: 5 of 1,603,388 alleles (0.00031%); highest among the groups gnomAD compares: Non-Finnish European, 0.00043%; no homozygotes.

Submissions (2):

Ambry Genetics
Classification: Uncertain significance. Last evaluated: 2024-08-14. Review status: criteria provided, single submitter. Criteria: Ambry Variant Classification Scheme 2023. Collection method: clinical testing. Allele origin: germline.

Labcorp Genetics (formerly Invitae), Labcorp
Classification: Uncertain significance. Last evaluated: 2024-05-07. Review status: criteria provided, single submitter. Criteria: Invitae Variant Classification Sherloc (09022015). Collection method: clinical testing. Allele origin: germline.
Comment: This sequence change replaces arginine, which is basic and polar, with lysine, which is basic and polar, at codon 224 of the MCM4 protein (p.Arg224Lys). This variant is present in population databases (rs767263289, gnomAD 0.002%). This variant has not been reported in the literature in individuals affected with MCM4-related conditions. ClinVar contains an entry for this variant (Variation ID: 1518687). Advanced modeling of protein sequence and biophysical properties (such as structural, functional, and spatial information, amino acid conservation, physicochemical variation, residue mobility, and thermodynamic stability) performed at Invitae indicates that this missense variant is not expected to disrupt MCM4 protein function with a negative predictive value of 80%. In summary, the available evidence is currently insufficient to determine the role of this variant in disease. Therefore, it has been classified as a Variant of Uncertain Significance.

NM_182746.3(MCM4):c.671G>A (p.Arg224Lys)

Gene: MCM4 (minichromosome maintenance complex component 4; plus strand). Cytogenetic location: 8q11.21.
Variant type: single nucleotide variant.
Coding change: c.671G>A on transcript NM_182746.3 (MANE Select); coding-DNA position 671, G replaced by A.
Protein change: p.Arg224Lys; replaces arginine 224 with lysine.
Molecular consequence: missense variant.
Genome position (GRCh38, 1-based): chr8:47,963,018, G>A. VCF-style: chr8-47963018-G-A. GRCh37 (hg19) VCF-style: chr8-48875578-G-A.
Other names: c.671G>A, p.Arg224Lys (NM_005914.4); c.671G>A (NM_005914.3); short protein forms R224K.
Identifiers: ClinVar variation 1518687 (VCV001518687.6), dbSNP rs767263289, ClinGen allele CA4742378.
Genomic context (GRCh38, chr8:47,963,018, plus strand): 5'-GTGAGCCATTTTTAAATGTGAACTGTGAACACATCAAATCATTTGACAAAAATTTGTACA[G>A]ACAACTCATCTCTTACCCACAGGTAAGAATTTAGCTTTGACCTTGATGAATTTTAGTAAC-3'
Protein context (NP_877423.1, residues 214-234): HIKSFDKNLY[Arg224Lys]QLISYPQEVI